The following is an entry in ClinVar:

NM_001035.3(RYR2):c.7513-6T>C

Gene: RYR2 (ryanodine receptor 2; plus strand). Cytogenetic location: 1q43.
Variant type: single nucleotide variant.
Coding change: c.7513-6T>C on transcript NM_001035.3 (MANE Select); 6 bases into the intron before coding-DNA position 7513, T replaced by C.
Molecular consequence: intron variant.
Genome position (GRCh38, 1-based): chr1:237,649,871, T>C. VCF-style: chr1-237649871-T-C. GRCh37 (hg19) VCF-style: chr1-237813171-T-C.
Identifiers: ClinVar variation 3655993 (VCV003655993.2).

ClinVar aggregate classification (germline): Uncertain significance (1 of 4 stars; one submission).

Conditions:
Catecholaminergic polymorphic ventricular tachycardia 1. Also called: VENTRICULAR TACHYCARDIA, CATECHOLAMINERGIC POLYMORPHIC, 1, WITH OR WITHOUT ATRIAL DYSFUNCTION AND/OR DILATED CARDIOMYOPATHY; RYR2-Related Catecholaminergic Polymorphic Ventricular Tachycardia; VENTRICULAR TACHYCARDIA, STRESS-INDUCED POLYMORPHIC 1. Identifiers: Orphanet 3286, MedGen C1631597, MONDO:0011484, OMIM 604772.

Submission:

Labcorp Genetics (formerly Invitae), Labcorp
Classification: Uncertain significance for Catecholaminergic polymorphic ventricular tachycardia 1. Last evaluated: 2025-05-26. Review status: criteria provided, single submitter. Criteria: Invitae Variant Classification Sherloc (09022015). Collection method: clinical testing. Allele origin: germline.
Comment: This sequence change falls in intron 49 of the RYR2 gene. It does not directly change the encoded amino acid sequence of the RYR2 protein. This variant is not present in population databases (gnomAD no frequency). This variant has not been reported in the literature in individuals affected with RYR2-related conditions. ClinVar contains an entry for this variant (Variation ID: 3655993). Algorithms developed to predict the effect of sequence changes on RNA splicing suggest that this variant may disrupt the consensus splice site. In summary, the available evidence is currently insufficient to determine the role of this variant in disease. Therefore, it has been classified as a Variant of Uncertain Significance.